The following is an entry in ClinVar:

NM_000445.5(PLEC):c.144C>G (p.Ser48Arg)

Gene: PLEC (plectin; minus strand). Cytogenetic location: 8q24.3.
Variant type: single nucleotide variant.
Coding change: c.144C>G on transcript NM_000445.5; coding-DNA position 144, C replaced by G.
Protein change: p.Ser48Arg; replaces serine 48 with arginine.
Molecular consequence: missense variant.
Genome position (GRCh38, 1-based): chr8:143,975,226, G>C on the plus strand (C>G on the coding strand, the complement: PLEC is on the minus strand). VCF-style: chr8-143975226-G-C. GRCh37 (hg19) VCF-style: chr8-145049394-G-C.
Other names: c.144C>G, p.Ser48Arg (NM_001410941.1); short protein forms S48R.
Identifiers: ClinVar variation 2087267 (VCV002087267.4), dbSNP rs1564241904, ClinGen allele CA372491609.

ClinVar aggregate classification (germline): Uncertain significance (1 of 4 stars; one submission).

Conditions:
Epidermolysis bullosa simplex with nail dystrophy (EBS5D). Identifiers: MedGen C4225309, MONDO:0014661, OMIM 616487.
Epidermolysis bullosa simplex, Ogna type (EBS5A). Also called: Pidermolysis bullosa simplex 5A, Ogna type; EPIDERMOLYSIS BULLOSA SIMPLEX 5A, OGNA TYPE. Identifiers: Orphanet 79401, MedGen C0432317, MONDO:0007555, OMIM 131950.
Autosomal recessive limb-girdle muscular dystrophy type 2Q (LGMDR17). Also called: MUSCULAR DYSTROPHY, LIMB-GIRDLE, AUTOSOMAL RECESSIVE 17. Identifiers: Orphanet 254361, MedGen C3150989, MONDO:0013390, OMIM 613723.
Epidermolysis bullosa simplex 5B, with muscular dystrophy (EBS5B). Also called: Epidermolysis bullosa simplex with muscular dystrophy; EPIDERMOLYSIS BULLOSA SIMPLEX AND LIMB-GIRDLE MUSCULAR DYSTROPHY. Identifiers: Orphanet 257, MedGen C2931072, MONDO:0009181, OMIM 226670.
Epidermolysis bullosa simplex 5C, with pyloric atresia (EBS5C). Also called: PLEC-Related Epidermolysis Bullosa with Pyloric Atresia; Epidermolysis bullosa simplex with pyloric atresia; PLEC1-Related Epidermolysis Bullosa with Pyloric Atresia. Identifiers: Orphanet 158684, MedGen C2677349, MONDO:0012807, OMIM 612138.

Allele frequency attached by ClinVar (database versions not stated): gnomAD exomes below 0.00001.
gnomAD v4.1: 5 of 1,605,290 alleles (0.00031%); highest among the groups gnomAD compares: Middle Eastern, 0.066%; no homozygotes.

Submission:

Labcorp Genetics (formerly Invitae), Labcorp
Classification: Uncertain significance for Autosomal recessive limb-girdle muscular dystrophy type 2Q; Epidermolysis bullosa simplex, Ogna type; Epidermolysis bullosa simplex with nail dystrophy; Epidermolysis bullosa simplex 5C, with pyloric atresia; Epidermolysis bullosa simplex 5B, with muscular dystrophy. Last evaluated: 2022-01-12. Review status: criteria provided, single submitter. Criteria: Invitae Variant Classification Sherloc (09022015). Collection method: clinical testing. Allele origin: germline.
Comment: In summary, the available evidence is currently insufficient to determine the role of this variant in disease. Therefore, it has been classified as a Variant of Uncertain Significance. Algorithms developed to predict the effect of missense changes on protein structure and function are either unavailable or do not agree on the potential impact of this missense change (SIFT: "Tolerated"; PolyPhen-2: "Not Available"; Align-GVGD: "Class C0"). This variant has not been reported in the literature in individuals affected with PLEC-related conditions. This variant is not present in population databases (gnomAD no frequency). This sequence change replaces serine, which is neutral and polar, with arginine, which is basic and polar, at codon 48 of the PLEC protein (p.Ser48Arg).